The following is an entry in ClinVar:

ClinVar aggregate classification (germline): Uncertain significance (1 of 4 stars; one submission).

Conditions:
Tuberous sclerosis 1 (TSC1). Identifiers: Orphanet 805, MedGen C1854465, MONDO:0008612, OMIM 191100.

Submission:

Labcorp Genetics (formerly Invitae), Labcorp
Classification: Uncertain significance for Tuberous sclerosis 1. Last evaluated: 2025-10-02. Review status: criteria provided, single submitter. Criteria: Invitae Variant Classification Sherloc (09022015). Collection method: clinical testing. Allele origin: germline.
Comment: This sequence change falls in intron 10 of the TSC1 gene. It does not directly change the encoded amino acid sequence of the TSC1 protein. It affects a nucleotide within the consensus splice site. This variant is not present in population databases (gnomAD no frequency). This variant has not been reported in the literature in individuals affected with TSC1-related conditions. ClinVar contains an entry for this variant (Variation ID: 937011). Variants that disrupt the consensus splice site are a relatively common cause of aberrant splicing (PMID: 17576681, 9536098). Algorithms developed to predict the effect of sequence changes on RNA splicing suggest that this variant is not likely to affect RNA splicing. In summary, the available evidence is currently insufficient to determine the role of this variant in disease. Therefore, it has been classified as a Variant of Uncertain Significance.

Literature cited by the submitters: PubMed 17576681; PubMed 9536098.

NM_000368.5(TSC1):c.1029+6G>T

Gene: TSC1 (TSC complex subunit 1; minus strand). Cytogenetic location: 9q34.13.
Variant type: single nucleotide variant.
Coding change: c.1029+6G>T on transcript NM_000368.5 (MANE Select); 6 bases into the intron after coding-DNA position 1029, G replaced by T.
Molecular consequence: intron variant.
Genome position (GRCh38, 1-based): chr9:132,911,447, C>A on the plus strand (G>T on the coding strand, the complement: TSC1 is on the minus strand). VCF-style: chr9-132911447-C-A. GRCh37 (hg19) VCF-style: chr9-135786834-C-A.
Other names: c.666+6G>T (NM_001362177.2); c.876+6G>T (NM_001162427.2); c.1029+6G>T (NM_001162426.2).
Identifiers: ClinVar variation 937011 (VCV000937011.9), dbSNP rs1845951912, ClinGen allele CA375368349.